The following is an entry in ClinVar:

NM_002334.4(LRP4):c.5428G>A (p.Val1810Ile)

Genes: LRP4 (LDL receptor related protein 4; minus strand), LRP4-AS1 (LRP4 antisense RNA 1; plus strand). Cytogenetic location: 11p11.2.
Variant type: single nucleotide variant.
Coding change: c.5428G>A on transcript NM_002334.4 (MANE Select); coding-DNA position 5428, G replaced by A.
Protein change: p.Val1810Ile; replaces valine 1810 with isoleucine.
Molecular consequence: missense variant.
Genome position (GRCh38, 1-based): chr11:46,859,273, C>T on the plus strand (G>A on the coding strand, the complement: LRP4 is on the minus strand). VCF-style: chr11-46859273-C-T. GRCh37 (hg19) VCF-style: chr11-46880824-C-T.
Other names: c.5428G>A (NM_002334.3); short protein forms V1810I.
Identifiers: ClinVar variation 1469424 (VCV001469424.8), dbSNP rs779299308, ClinGen allele CA5969023.

ClinVar aggregate classification (germline): Uncertain significance. Review status: criteria provided, multiple submitters, no conflicts (2 of 4 stars). 3 submissions from 3 submitters: Uncertain significance (3). Last evaluated 2025-08-21.

Conditions:
Cenani-Lenz syndactyly syndrome. Also called: SYNDACTYLY, TYPE VII; CENANI SYNDACTYLISM. Identifiers: Orphanet 3258, MedGen C1859309, MONDO:0008931, OMIM 212780.
Congenital myasthenic syndrome 17. Identifiers: Orphanet 590, MedGen C4225377, MONDO:0014578, OMIM 616304.
Sclerosteosis 2 (SOST2). Identifiers: Orphanet 3152, MedGen C3280402, MONDO:0013679, OMIM 614305.
Inborn genetic diseases. Identifiers: MedGen C0950123, MeSH D030342.

Allele frequency attached by ClinVar (database versions not stated): gnomAD 0.00001; gnomAD exomes 0.00004; ExAC 0.00005; TOPMed 0.00005.
gnomAD v4.1: 29 of 1,614,002 alleles (0.0018%); highest among the groups gnomAD compares: South Asian, 0.0055%; no homozygotes.

Submissions (3):

Ambry Genetics
Classification: Uncertain significance for Inborn genetic diseases. Last evaluated: 2025-08-21. Review status: criteria provided, single submitter. Criteria: Ambry Variant Classification Scheme 2023. Collection method: clinical testing. Allele origin: germline.

Fulgent Genetics
Classification: Uncertain significance for Cenani-Lenz syndactyly syndrome; Sclerosteosis 2; Congenital myasthenic syndrome 17. Last evaluated: 2024-05-10. Review status: criteria provided, single submitter. Criteria: ACMG Guidelines, 2015. Collection method: clinical testing. Allele origin: germline.

Labcorp Genetics (formerly Invitae), Labcorp
Classification: Uncertain significance for Cenani-Lenz syndactyly syndrome; Sclerosteosis 2; Congenital myasthenic syndrome 17. Last evaluated: 2021-08-31. Review status: criteria provided, single submitter. Criteria: Invitae Variant Classification Sherloc (09022015). Collection method: clinical testing. Allele origin: germline.
Comment: This sequence change replaces valine with isoleucine at codon 1810 of the LRP4 protein (p.Val1810Ile). The valine residue is highly conserved and there is a small physicochemical difference between valine and isoleucine. This variant is present in population databases (rs779299308, ExAC 0.01%). This variant has not been reported in the literature in individuals affected with LRP4-related conditions. Algorithms developed to predict the effect of missense changes on protein structure and function are either unavailable or do not agree on the potential impact of this missense change (SIFT: "Deleterious"; PolyPhen-2: "Benign"; Align-GVGD: "Class C0"). In summary, the available evidence is currently insufficient to determine the role of this variant in disease. Therefore, it has been classified as a Variant of Uncertain Significance.